The following is an entry in ClinVar:

ClinVar aggregate classification (germline): Pathogenic (1 of 4 stars; one submission).

Submission:

Labcorp Genetics (formerly Invitae), Labcorp
Classification: Pathogenic. Last evaluated: 2024-04-19. Review status: criteria provided, single submitter. Criteria: Invitae Variant Classification Sherloc (09022015). Collection method: clinical testing. Allele origin: germline.
Comment: This sequence change creates a premature translational stop signal (p.Cys86*) in the LMX1B gene. It is expected to result in an absent or disrupted protein product. Loss-of-function variants in LMX1B are known to be pathogenic (PMID: 9590287, 15498463). This variant is not present in population databases (gnomAD no frequency). This variant has not been reported in the literature in individuals affected with LMX1B-related conditions. ClinVar contains an entry for this variant (Variation ID: 2113998). For these reasons, this variant has been classified as Pathogenic.

Literature cited by the submitters: PubMed 9590287; PubMed 15498463.

NM_001174147.2(LMX1B):c.258T>A (p.Cys86Ter)

Gene: LMX1B (LIM homeobox transcription factor 1 beta; plus strand). Cytogenetic location: 9q33.3.
Variant type: single nucleotide variant.
Coding change: c.258T>A on transcript NM_001174147.2 (MANE Select); coding-DNA position 258, T replaced by A.
Protein change: p.Cys86Ter; replaces cysteine 86 with a stop codon.
Molecular consequence: nonsense.
Genome position (GRCh38, 1-based): chr9:126,615,501, T>A. VCF-style: chr9-126615501-T-A. GRCh37 (hg19) VCF-style: chr9-129377780-T-A.
Other names: c.258T>A, p.Cys86Ter (NM_001174146.2, NM_002316.4); short protein forms C86*.
Identifiers: ClinVar variation 2113998 (VCV002113998.4), dbSNP rs1835286357, ClinGen allele CA374910101.